The following is an entry in ClinVar:

ClinVar aggregate classification (germline): Likely pathogenic. Review status: criteria provided, multiple submitters, no conflicts (2 of 4 stars). 2 submissions from 2 submitters: Likely pathogenic (2). Last evaluated 2025-04-11.

Submissions (2):

Labcorp Genetics (formerly Invitae), Labcorp
Classification: Likely pathogenic. Last evaluated: 2025-04-11. Review status: criteria provided, single submitter. Criteria: Invitae Variant Classification Sherloc (09022015). Collection method: clinical testing. Allele origin: germline.
Comment: This sequence change affects a donor splice site in intron 17 of the ANK1 gene. It is expected to disrupt RNA splicing. Variants that disrupt the donor or acceptor splice site typically lead to a loss of protein function (PMID: 16199547), and loss-of-function variants in ANK1 are known to be pathogenic (PMID: 8640229). This variant is not present in population databases (gnomAD no frequency). Disruption of this splice site has been observed in individual(s) with clinical features of hereditary spherocytosis (PMID: 31602632). ClinVar contains an entry for this variant (Variation ID: 3381040). Algorithms developed to predict the effect of sequence changes on RNA splicing suggest that this variant may disrupt the consensus splice site. In summary, the currently available evidence indicates that the variant is pathogenic, but additional data are needed to prove that conclusively. Therefore, this variant has been classified as Likely Pathogenic.

Mayo Clinic Laboratories, Mayo Clinic
Classification: Likely pathogenic. Last evaluated: 2024-04-16. Review status: criteria provided, single submitter. Criteria: ACMG Guidelines, 2015. Collection method: clinical testing. Allele origin: germline. Observed: 1 variant allele.
Comment: PM2_moderate, PVS1_strong

Literature cited by the submitters: PubMed 16199547 (cited by Labcorp Genetics (formerly Invitae), Labcorp); PubMed 8640229 (cited by Labcorp Genetics (formerly Invitae), Labcorp); PubMed 31602632 (cited by Labcorp Genetics (formerly Invitae), Labcorp and Mayo Clinic Laboratories, Mayo Clinic).

NM_000037.4(ANK1):c.1998+1G>T

Gene: ANK1 (ankyrin 1; minus strand). Cytogenetic location: 8p11.21.
Variant type: single nucleotide variant.
Coding change: c.1998+1G>T on transcript NM_000037.4 (MANE Select); the canonical splice donor site of the intron after coding-DNA position 1998, G replaced by T.
Molecular consequence: splice donor variant.
Genome position (GRCh38, 1-based): chr8:41,708,777, C>A on the plus strand (G>T on the coding strand, the complement: ANK1 is on the minus strand). VCF-style: chr8-41708777-C-A. GRCh37 (hg19) VCF-style: chr8-41566295-C-A.
Other names: p.?; c.2097+1G>T (NM_001142446.2); c.1998+1G>T (NM_020477.3, NM_020475.3, NM_020476.3).
Identifiers: ClinVar variation 3381040 (VCV003381040.2).